The following is an entry in ClinVar:

NM_024721.5(ZFHX4):c.6703_6706del (p.Asp2235fs)

Gene: ZFHX4 (zinc finger homeobox 4; plus strand). Cytogenetic location: 8q21.13.
Variant type: Deletion.
Coding change: c.6703_6706del on transcript NM_024721.5 (MANE Select); coding-DNA positions 6703 to 6706, 4 bases deleted (GACT; older notation c.6703_6706delGACT).
Protein change: p.Asp2235fs; shifts the reading frame from aspartic acid 2235.
Molecular consequence: frameshift variant.
Genome position (GRCh38, 1-based): chr8:76,853,624-76,853,627, GACT deleted; deleting any 4 consecutive bases within chr8:76,853,621-76,853,627 gives the same sequence; the c. name uses the placement nearest the transcript's 3' end. VCF-style (leftmost placement, unchanged base first): chr8-76853620-TACTG-T. GRCh37 (hg19) VCF-style: chr8-77765856-TACTG-T.
Other names: c.6625_6628del, p.Asp2209fs (NM_001410934.1); short protein forms D2209fs, D2235fs.
Identifiers: ClinVar variation 3900292 (VCV003900292.1).
Genomic context (GRCh38, chr8:76,853,620, plus strand): 5'-CTCTTTAGAACATTACAAATCTGATGCATCATTCAGTAAAAGGTCTTCTAGAACGAGATT[TACTG>T]ACTACCAGCTTAGGGTTCTGCAAGACTTTTTTGACACAAACGCTTACCCAAAAGATGATG-3'

ClinVar aggregate classification (germline): Uncertain significance (1 of 4 stars; one submission).

Submission:

GeneDx
Classification: Uncertain significance. Last evaluated: 2023-04-06. Review status: criteria provided, single submitter. Criteria: GeneDx Variant Classification Process June 2021. Collection method: clinical testing. Allele origin: germline. Affected: yes.
Comment: Not observed at significant frequency in large population cohorts (gnomAD); Frameshift variant predicted to result in protein truncation or nonsense mediated decay in a gene or region of a gene for which loss of function is not a well-established mechanism of disease; Has not been previously published as pathogenic or benign to our knowledge